The following is an entry in ClinVar:

NM_130837.3(OPA1):c.679-8C>T

Genes: OPA1 (OPA1 mitochondrial dynamin like GTPase; plus strand), OPA1-AS1 (OPA1 antisense RNA 1; minus strand). Cytogenetic location: 3q29.
Variant type: single nucleotide variant.
Coding change: c.679-8C>T on transcript NM_130837.3 (MANE Select); 8 bases into the intron before coding-DNA position 679, C replaced by T.
Molecular consequence: intron variant.
Genome position (GRCh38, 1-based): chr3:193,626,084, C>T. VCF-style: chr3-193626084-C-T. GRCh37 (hg19) VCF-style: chr3-193343873-C-T.
Other names: c.253-5528C>T (NM_001354664.2); c.145-8C>T (NM_001354663.2); c.679-5528C>T (NM_130834.3); c.625-8C>T (NM_130836.3); c.625-5528C>T (NM_015560.3); c.571-8C>T (NM_130835.3); c.571-5528C>T (NM_130832.3); c.517-8C>T (NM_130833.3); and 1 more.
Identifiers: ClinVar variation 96255 (VCV000096255.21), dbSNP rs114348597, ClinGen allele CA285768.

ClinVar aggregate classification (germline): Benign. Review status: criteria provided, multiple submitters, no conflicts (2 of 4 stars). 8 submissions from 8 submitters: Benign (5). 3 of the submissions do not count toward it. Last evaluated 2026-02-01.

Conditions:
OPA1-related disorder. Also called: OPA1-related disorders; OPA1-related condition.

Allele frequency attached by ClinVar (database versions not stated): gnomAD exomes 0.00140; ExAC 0.00165; 1000 Genomes Project 30x 0.00453; 1000 Genomes Project 0.00459; gnomAD 0.00545 and 0.00589; ESP Exome Variant Server 0.00569; TOPMed 0.00640.
gnomAD v4.1: 1,661 of 1,608,376 alleles (0.1%); highest among the groups gnomAD compares: African/African-American, 1.9%; 20 homozygotes.

Submissions (8):

Labcorp Genetics (formerly Invitae), Labcorp
Classification: Benign. Last evaluated: 2026-02-01. Review status: criteria provided, single submitter. Criteria: Invitae Variant Classification Sherloc (09022015). Collection method: clinical testing. Allele origin: germline.

Athena Diagnostics
Classification: Benign. Last evaluated: 2025-03-27. Review status: criteria provided, single submitter. Criteria: Athena Diagnostics Criteria. Collection method: clinical testing. Allele origin: unknown.
Comment: The frequency of this variant in the general population is higher than would generally be expected for pathogenic variants in this gene.

GeneDx
Classification: Benign. Last evaluated: 2014-07-14. Review status: criteria provided, single submitter. Criteria: GeneDx Variant Classification (06012015). Collection method: clinical testing. Allele origin: germline. Affected: yes.
Comment: This variant is considered likely benign or benign based on one or more of the following criteria: it is a conservative change, it occurs at a poorly conserved position in the protein, it is predicted to be benign by multiple in silico algorithms, and/or has population frequency not consistent with disease.

Eurofins Ntd Llc (ga)
Classification: Benign. Last evaluated: 2012-07-31. Review status: criteria provided, single submitter. Criteria: EGL Classification Definitions 2015. Collection method: clinical testing. Allele origin: germline. Observed: 3 variant alleles, 3 heterozygotes.

Breakthrough Genomics
Classification: Benign. Review status: criteria provided, single submitter. Criteria: ACMG Guidelines, 2015. Collection method: not provided. Allele origin: germline. Inheritance: Autosomal recessive inheritance. Affected: yes.

PreventionGenetics, part of Exact Sciences
Classification: Benign for OPA1-related condition. Last evaluated: 2019-06-25. Review status: no assertion criteria provided. Collection method: clinical testing. Allele origin: germline. Not counted in ClinVar's aggregate classification.
Comment: This variant is classified as benign based on ACMG/AMP sequence variant interpretation guidelines (Richards et al. 2015 PMID: 25741868, with internal and published modifications).

Clinical Genetics DNA and cytogenetics Diagnostics Lab, Erasmus MC, Erasmus Medical Center
Classification: Benign. Review status: no assertion criteria provided. Collection method: clinical testing. Allele origin: germline. Affected: yes. Study: VKGL Data-share Consensus. Not counted in ClinVar's aggregate classification.

Clinical Genetics, Academic Medical Center
Classification: Benign. Review status: no assertion criteria provided. Collection method: clinical testing. Allele origin: germline. Affected: yes. Study: VKGL Data-share Consensus. Not counted in ClinVar's aggregate classification.